The following is an entry in ClinVar:

ClinVar aggregate classification (germline): Uncertain significance (1 of 4 stars; one submission).

Allele frequency attached by ClinVar (database versions not stated): TOPMed below 0.00001; gnomAD 0.00001.
gnomAD v4.1: 2 of 1,613,926 alleles (0.00012%); highest among the groups gnomAD compares: South Asian, 0.0011%; no homozygotes.

Submission:

Women's Health and Genetics/Laboratory Corporation of America, LabCorp
Classification: Uncertain significance. Last evaluated: 2022-06-23. Review status: criteria provided, single submitter. Criteria: LabCorp Variant Classification Summary - May 2015. Collection method: clinical testing. Allele origin: germline.
Comment: Variant summary: SON c.3300C>G (p.Asp1100Glu) results in a conservative amino acid change in the encoded protein sequence. Three of five in-silico tools predict a damaging effect of the variant on protein function. The variant was absent in 251424 control chromosomes (gnomAD). The available data on variant occurrences in the general population are insufficient to allow any conclusion about variant significance. To our knowledge, no occurrence of c.3300C>G in individuals affected with ZTTK Syndrome and no experimental evidence demonstrating its impact on protein function have been reported. No clinical diagnostic laboratories have submitted clinical-significance assessments for this variant to ClinVar after 2014. Based on the evidence outlined above, the variant was classified as uncertain significance.

NM_138927.4(SON):c.3300C>G (p.Asp1100Glu)

Gene: SON (SON DNA and RNA binding protein; plus strand). Cytogenetic location: 21q22.11.
Variant type: single nucleotide variant.
Coding change: c.3300C>G on transcript NM_138927.4 (MANE Select); coding-DNA position 3300, C replaced by G.
Protein change: p.Asp1100Glu; replaces aspartic acid 1100 with glutamic acid.
Molecular consequence: missense variant. On other transcripts: non-coding transcript variant (1), intron variant (1).
Genome position (GRCh38, 1-based): chr21:33,552,531, C>G. VCF-style: chr21-33552531-C-G. GRCh37 (hg19) VCF-style: chr21-34924837-C-G.
Other names: c.3300C>G, p.Asp1100Glu (NM_001291411.2, NM_032195.3); c.245-4625C>G (NM_001291412.3); short protein forms D1100E.
Identifiers: ClinVar variation 1698629 (VCV001698629.1), dbSNP rs1160761975, ClinGen allele CA410159903.